The following is an entry in ClinVar:

ClinVar aggregate classification (germline): Uncertain significance (1 of 4 stars; one submission).

Conditions:
SFTPC-related disorder. Also called: SFTPC-related condition.

Allele frequency attached by ClinVar (database versions not stated): gnomAD exomes below 0.00001; TOPMed below 0.00001; gnomAD 0.00001.
gnomAD v4.1: 5 of 1,613,422 alleles (0.00031%); highest among the groups gnomAD compares: Non-Finnish European, 0.00042%; no homozygotes.

Submission:

PreventionGenetics, part of Exact Sciences
Classification: Uncertain significance for SFTPC-related condition. Last evaluated: 2022-10-17. Review status: criteria provided, single submitter. Criteria: ACMG Guidelines, 2015. Collection method: clinical testing. Allele origin: germline.
Comment: The SFTPC c.329T>G variant is predicted to result in the amino acid substitution p.Leu110Arg. This variant has been reported in a small number of patients with SFTPC related disorders, yet functional studies are mixed about its predicted effect on protein function (Thurm et al. 2013. PubMed ID: 23701443; Cameron et al. 2005. PubMed ID: 15756222; Coghlan et al. 2014. PubMed ID: 25553246). This variant has not been reported in a large population database, indicating this variant is rare. Although we suspect that this variant may be pathogenic, at this time, the clinical significance of this variant is uncertain due to the absence of conclusive functional and genetic evidence.

NM_001317778.2(SFTPC):c.329T>G (p.Leu110Arg)

Gene: SFTPC (surfactant protein C; plus strand). Cytogenetic location: 8p21.3.
Variant type: single nucleotide variant.
Coding change: c.329T>G on transcript NM_001317778.2 (MANE Select); coding-DNA position 329, T replaced by G.
Protein change: p.Leu110Arg; replaces leucine 110 with arginine.
Molecular consequence: missense variant.
Genome position (GRCh38, 1-based): chr8:22,163,440, T>G. VCF-style: chr8-22163440-T-G. GRCh37 (hg19) VCF-style: chr8-22020953-T-G.
Other names: c.329T>G, p.Leu110Arg (NM_001172357.2, NM_001172410.2, NM_001317780.2 and 8 more transcripts); c.170T>G, p.Leu57Arg (NM_001317779.2, NM_001385660.1); short protein forms L110R, L57R.
Identifiers: ClinVar variation 2636153 (VCV002636153.1), dbSNP rs1003901489, ClinGen allele CA173483593.